The following is an entry in ClinVar:

NM_001042492.3(NF1):c.6119C>T (p.Ser2040Phe)

Gene: NF1 (neurofibromin 1; plus strand). Cytogenetic location: 17q11.2.
Variant type: single nucleotide variant.
Coding change: c.6119C>T on transcript NM_001042492.3 (MANE Select); coding-DNA position 6119, C replaced by T.
Protein change: p.Ser2040Phe; replaces serine 2040 with phenylalanine.
Molecular consequence: missense variant.
Genome position (GRCh38, 1-based): chr17:31,336,445, C>T. VCF-style: chr17-31336445-C-T. GRCh37 (hg19) VCF-style: chr17-29663463-C-T.
Other names: c.6056C>T, p.Ser2019Phe (NM_000267.4); short protein forms S2019F, S2040F.
Identifiers: ClinVar variation 861870 (VCV000861870.15), dbSNP rs2069671270, ClinGen allele CA399011443.

ClinVar aggregate classification (germline): Conflicting classifications of pathogenicity. Review status: criteria provided, conflicting classifications (1 of 4 stars). 7 submissions from 7 submitters: Pathogenic (1); Likely pathogenic (3); Uncertain significance (3). Last evaluated 2024-12-26.

Conditions:
Hereditary cancer-predisposing syndrome. Also called: Neoplastic Syndromes, Hereditary; Hereditary Cancer Syndrome; Hereditary neoplastic syndrome; Tumor predisposition. Identifiers: Orphanet 140162, MedGen C0027672, MeSH D009386, MONDO:0015356.
Cardiovascular phenotype. Identifiers: MedGen CN230736.
Neurofibromatosis, type 1 (NF1). Also called: NEUROFIBROMATOSIS, TYPE I, SOMATIC; Peripheral type neurofibromatosis; VON RECKLINGHAUSEN DISEASE; Neurofibromatosis, type I. Identifiers: Orphanet 636, MedGen C0027831, MONDO:0018975, OMIM 162200. Disease mechanism: loss of function.

gnomAD v4.1: 1 of 1,614,078 alleles (0.000062%); highest among the groups gnomAD compares: Non-Finnish European, 0.000085%; no homozygotes.

Submissions (7):

Dasa
Classification: Uncertain significance. Last evaluated: 2024-12-26. Review status: criteria provided, single submitter. Criteria: DASA Assertion Criteria. Collection method: clinical testing. Allele origin: germline.
Comment: NM_001042492.3(NF1):c.6119C>T (p.Ser2040Phe) is a missense variant that results in the substitution of serine with phenylalanine. This variant has been reported in individuals with NF1-related disorders (PMID: 25541118). Also, this variant is rare in population databases. Computational prediction algorithms are consistent with a deleterious effect. The currently available literature and clinical evidence are not sufficient to establish a definitive association between this variant and the reported condition. Therefore, this variant is classified as a variant of uncertain significance.

Ambry Genetics
Classification: Likely pathogenic for Cardiovascular phenotype; Hereditary cancer-predisposing syndrome. Last evaluated: 2024-09-12. Review status: criteria provided, single submitter. Criteria: Ambry Variant Classification Scheme 2023. Collection method: clinical testing. Allele origin: germline.
Comment: The p.S2019F variant (also known as c.6056C>T), located in coding exon 40 of the NF1 gene, results from a C to T substitution at nucleotide position 6056. The serine at codon 2019 is replaced by phenylalanine, an amino acid with highly dissimilar properties. This alteration has been reported in individuals with neurofibromatosis type 1 (NF1), including as a de novo occurrence in one individual (Duat Rodr&iacute;guez A et al. An Pediatr (Barc), 2015 Sep;83:173-82; Paulo P et al. J Mol Diagn, 2017 Jul;19:502-513; Habulieti X et al. Sci China Life Sci, 2021 Dec;64:2206-220). This variant is considered to be rare based on population cohorts in the Genome Aggregation Database (gnomAD). This amino acid position is highly conserved in available vertebrate species. In addition, this alteration is predicted to be deleterious by in silico analysis. Based on the majority of available evidence to date, this variant is likely to be pathogenic.

GeneDx
Classification: Likely pathogenic. Last evaluated: 2024-05-08. Review status: criteria provided, single submitter. Criteria: GeneDx Variant Classification Process June 2021. Collection method: clinical testing. Allele origin: germline. Affected: yes.
Comment: Not observed at significant frequency in large population cohorts (gnomAD); In silico analysis supports that this missense variant has a deleterious effect on protein structure/function; This variant is associated with the following publications: (PMID: 23656349, 28529006, 25541118)

Labcorp Genetics (formerly Invitae), Labcorp
Classification: Likely pathogenic for Neurofibromatosis, type 1. Last evaluated: 2023-11-19. Review status: criteria provided, single submitter. Criteria: Invitae Variant Classification Sherloc (09022015). Collection method: clinical testing. Allele origin: germline.
Comment: This sequence change replaces serine, which is neutral and polar, with phenylalanine, which is neutral and non-polar, at codon 2019 of the NF1 protein (p.Ser2019Phe). This variant is not present in population databases (gnomAD no frequency). This missense change has been observed in individual(s) with clinical features of neurofibromatosis (PMID: 23656349, 25541118, 28529006; Invitae). ClinVar contains an entry for this variant (Variation ID: 861870). Advanced modeling of protein sequence and biophysical properties (such as structural, functional, and spatial information, amino acid conservation, physicochemical variation, residue mobility, and thermodynamic stability) performed at Invitae indicates that this missense variant is expected to disrupt NF1 protein function with a positive predictive value of 95%. In summary, the currently available evidence indicates that the variant is pathogenic, but additional data are needed to prove that conclusively. Therefore, this variant has been classified as Likely Pathogenic.

Genome-Nilou Lab
Classification: Uncertain significance for Neurofibromatosis, type 1. Last evaluated: 2022-03-15. Review status: criteria provided, single submitter. Criteria: ACMG Guidelines, 2015. Collection method: clinical testing. Allele origin: germline. Affected: no.

Genome Diagnostics Laboratory, The Hospital for Sick Children
Classification: Uncertain significance for Neurofibromatosis, type 1. Last evaluated: 2020-10-26. Review status: criteria provided, single submitter. Criteria: ACMG Guidelines, 2015. Collection method: clinical testing. Allele origin: germline. Affected: yes.

Clinical Genetics Service, Universitary Hospital 12 de Octubre
Classification: Pathogenic for Neurofibromatosis, type 1. Review status: criteria provided, single submitter. Criteria: ACMG Guidelines, 2015. Collection method: clinical testing. Allele origin: germline. Affected: yes.

Literature cited by the submitters: PubMed 25541118 (cited by 3 submitters); PubMed 23656349 (cited by Ambry Genetics and Labcorp Genetics (formerly Invitae), Labcorp); PubMed 28529006 (cited by Ambry Genetics and Labcorp Genetics (formerly Invitae), Labcorp); PubMed 31573083 (cited by Ambry Genetics); PubMed 33999308 (cited by Ambry Genetics).